The following is an entry in ClinVar:

ClinVar aggregate classification (germline): Conflicting classifications of pathogenicity. Review status: criteria provided, conflicting classifications (1 of 4 stars). 15 submissions from 14 submitters: Uncertain significance (2); Benign (3); Likely benign (5). 5 of the submissions do not count toward it. Last evaluated 2026-07-01.

Conditions:
CDH23-related disorder. Also called: CDH23-related disorders; CDH23-related condition.
Usher syndrome type 1 (USH1). Also called: RETINITIS PIGMENTOSA AND CONGENITAL DEAFNESS. Identifiers: Orphanet 231169, Orphanet 886, MedGen C1568247, MONDO:0010168, OMIM 276900.
Autosomal recessive nonsyndromic hearing loss 12. Also called: DEAFNESS, AUTOSOMAL RECESSIVE 12. Identifiers: Orphanet 90636, MedGen C1832394, MONDO:0011067, OMIM 601386.
Usher syndrome type 1D (USH1D). Also called: USHER SYNDROME, TYPE ID. Identifiers: Orphanet 231169, Orphanet 886, MedGen C1832845, MONDO:0010984, OMIM 601067.

Allele frequency attached by ClinVar (database versions not stated): 1000 Genomes Project 0.00100; gnomAD 0.00248 and 0.00229; TOPMed 0.00252; 1000 Genomes Project 30x 0.00078; gnomAD exomes 0.00276; ESP Exome Variant Server 0.00296; ExAC 0.00355.
gnomAD v4.1: 5,234 of 1,613,778 alleles (0.32%); highest among the groups gnomAD compares: Non-Finnish European, 0.41%; 6 homozygotes.

Submissions (15):

CeGaT Center for Human Genetics Tuebingen
Classification: Likely benign. Last evaluated: 2026-07-01. Review status: criteria provided, single submitter. Criteria: CeGaT Center For Human Genetics Tuebingen Variant Classification Criteria Version 2. Collection method: clinical testing. Allele origin: germline. Affected: yes. Observed: 14 variant alleles.
Comment: CDH23: BS2

Labcorp Genetics (formerly Invitae), Labcorp
Classification: Likely benign. Last evaluated: 2026-02-04. Review status: criteria provided, single submitter. Criteria: Invitae Variant Classification Sherloc (09022015). Collection method: clinical testing. Allele origin: germline.

Blueprint Genetics
Classification: Likely benign. Last evaluated: 2024-11-05. Review status: criteria provided, single submitter. Criteria: ACMG Guidelines, 2015. Collection method: clinical testing. Allele origin: germline.

ARUP Laboratories, Molecular Genetics and Genomics, ARUP Laboratories
Classification: Benign. Last evaluated: 2023-10-23. Review status: criteria provided, single submitter. Criteria: ARUP Molecular Germline Variant Investigation Process 2024. Collection method: clinical testing. Allele origin: germline.

Genome-Nilou Lab
Classification: Likely benign for Usher syndrome type 1D. Last evaluated: 2021-05-18. Review status: criteria provided, single submitter. Criteria: ACMG Guidelines, 2015. Collection method: clinical testing. Allele origin: germline. Affected: no.

GeneDx
Classification: Benign. Last evaluated: 2019-05-31. Review status: criteria provided, single submitter. Criteria: GeneDx Variant Classification Process June 2021. Collection method: clinical testing. Allele origin: germline. Affected: yes.
Comment: This variant is associated with the following publications: (PMID: 16679490, 23804846, 22135276, 32707200)

Illumina Laboratory Services, Illumina
Classification: Uncertain significance for Autosomal recessive nonsyndromic hearing loss 12. Last evaluated: 2018-01-13. Review status: criteria provided, single submitter. Criteria: ICSL Variant Classification Criteria 13 December 2019. Collection method: clinical testing. Allele origin: germline.

Illumina Laboratory Services, Illumina
Classification: Uncertain significance for Usher syndrome type 1D. Last evaluated: 2018-01-13. Review status: criteria provided, single submitter. Criteria: ICSL Variant Classification Criteria 13 December 2019. Collection method: clinical testing. Allele origin: germline.

Eurofins Ntd Llc (ga)
Classification: Likely benign. Last evaluated: 2016-03-25. Review status: criteria provided, single submitter. Criteria: EGL Classification Definitions 2015. Collection method: clinical testing. Allele origin: germline. Observed: 1 variant allele, 1 heterozygote.

Laboratory for Molecular Medicine, Mass General Brigham Personalized Medicine
Classification: Benign. Last evaluated: 2013-10-11. Review status: criteria provided, single submitter. Criteria: LMM Criteria. Collection method: clinical testing. Allele origin: germline. Observed: 13 variant alleles.
Comment: Ser436Asn in Exon 14A of CDH23: This variant is not expected to have clinical si gnificance because it has been identified in 0.4% (34/8406) of European American chromosomes from a broad population by the NHLBI Exome Sequencing Project (dbSNP rs111033369).

PreventionGenetics, part of Exact Sciences
Classification: Benign for CDH23-related condition. Last evaluated: 2020-04-20. Review status: no assertion criteria provided. Collection method: clinical testing. Allele origin: germline. Not counted in ClinVar's aggregate classification.
Comment: This variant is classified as benign based on ACMG/AMP sequence variant interpretation guidelines (Richards et al. 2015 PMID: 25741868, with internal and published modifications).

Natera, Inc.
Classification: Benign for Usher syndrome type 1. Last evaluated: 2019-10-30. Review status: no assertion criteria provided. Collection method: clinical testing. Allele origin: germline. Not counted in ClinVar's aggregate classification.

Clinical Genetics DNA and cytogenetics Diagnostics Lab, Erasmus MC, Erasmus Medical Center
Classification: Likely benign. Review status: no assertion criteria provided. Collection method: clinical testing. Allele origin: germline. Affected: yes. Study: VKGL Data-share Consensus. Not counted in ClinVar's aggregate classification.

Clinical Genetics, Academic Medical Center
Classification: Benign. Review status: no assertion criteria provided. Collection method: clinical testing. Allele origin: germline. Affected: yes. Study: VKGL Data-share Consensus. Not counted in ClinVar's aggregate classification.

Joint Genome Diagnostic Labs from Nijmegen and Maastricht, Radboudumc and MUMC+
Classification: Likely benign. Review status: no assertion criteria provided. Collection method: clinical testing. Allele origin: germline. Affected: yes. Study: VKGL Data-share Consensus. Not counted in ClinVar's aggregate classification.

Literature cited by the submitters: PubMed 16679490 (cited by Laboratory for Molecular Medicine, Mass General Brigham Personalized Medicine).

NM_022124.6(CDH23):c.1307G>A (p.Ser436Asn)

Gene: CDH23 (cadherin related 23; plus strand). Cytogenetic location: 10q22.1.
Variant type: single nucleotide variant.
Coding change: c.1307G>A on transcript NM_022124.6 (MANE Select); coding-DNA position 1307, G replaced by A.
Protein change: p.Ser436Asn; replaces serine 436 with asparagine.
Molecular consequence: missense variant.
Genome position (GRCh38, 1-based): chr10:71,646,475, G>A. VCF-style: chr10-71646475-G-A. GRCh37 (hg19) VCF-style: chr10-73406232-G-A.
Other names: c.1307G>A, p.Ser436Asn (NM_001171930.2, NM_001171931.2, NM_052836.4); short protein forms S436N.
Identifiers: ClinVar variation 45866 (VCV000045866.62), dbSNP rs111033369, ClinGen allele CA137265.